The following is an entry in ClinVar:

ClinVar aggregate classification (germline): Uncertain significance (1 of 4 stars; one submission).

Conditions:
Neurofibromatosis, type 1 (NF1). Also called: Peripheral type neurofibromatosis; Neurofibromatosis, type I; NEUROFIBROMATOSIS, TYPE I, SOMATIC; VON RECKLINGHAUSEN DISEASE. Identifiers: Orphanet 636, MedGen C0027831, MONDO:0018975, OMIM 162200. Disease mechanism: loss of function.

Submission:

Labcorp Genetics (formerly Invitae), Labcorp
Classification: Uncertain significance for Neurofibromatosis, type 1. Last evaluated: 2021-08-05. Review status: criteria provided, single submitter. Criteria: Invitae Variant Classification Sherloc (09022015). Collection method: clinical testing. Allele origin: germline.
Comment: In summary, the available evidence is currently insufficient to determine the role of this variant in disease. Therefore, it has been classified as a Variant of Uncertain Significance. Advanced modeling of protein sequence and biophysical properties (such as structural, functional, and spatial information, amino acid conservation, physicochemical variation, residue mobility, and thermodynamic stability) performed at Invitae indicates that this missense variant is not expected to disrupt NF1 protein function. This variant has not been reported in the literature in individuals affected with NF1-related conditions. This variant is not present in population databases (ExAC no frequency). This sequence change replaces asparagine with threonine at codon 292 of the NF1 protein (p.Asn292Thr). The asparagine residue is weakly conserved and there is a small physicochemical difference between asparagine and threonine.

NM_001042492.3(NF1):c.875A>C (p.Asn292Thr)

Gene: NF1 (neurofibromin 1; plus strand). Cytogenetic location: 17q11.2.
Variant type: single nucleotide variant.
Coding change: c.875A>C on transcript NM_001042492.3 (MANE Select); coding-DNA position 875, A replaced by C.
Protein change: p.Asn292Thr; replaces asparagine 292 with threonine.
Molecular consequence: missense variant.
Genome position (GRCh38, 1-based): chr17:31,182,652, A>C. VCF-style: chr17-31182652-A-C. GRCh37 (hg19) VCF-style: chr17-29509670-A-C.
Other names: c.875A>C, p.Asn292Thr (NM_000267.4, NM_001128147.3); short protein forms N292T.
Identifiers: ClinVar variation 1372551 (VCV001372551.6), dbSNP rs2143786939, ClinGen allele CA398991239.